The following is an entry in ClinVar:

NM_000138.5(FBN1):c.768_769del (p.Cys257fs)

Gene: FBN1 (fibrillin 1; minus strand). Cytogenetic location: 15q21.1.
Variant type: Microsatellite.
Coding change: c.768_769del on transcript NM_000138.5 (MANE Select); coding-DNA positions 768 to 769, 2 bases deleted (CT; older notation c.768_769delCT).
Protein change: p.Cys257fs; shifts the reading frame from cysteine 257.
Molecular consequence: frameshift variant.
Genome position (GRCh38, 1-based): chr15:48,534,173-48,534,174, AG deleted on the plus strand (CT on the coding strand, the reverse complement: FBN1 is on the minus strand); deleting any 2 consecutive bases within chr15:48,534,173-48,534,176 gives the same sequence; the c. name uses the placement nearest the transcript's 3' end. VCF-style (leftmost placement, unchanged base first): chr15-48534172-CAG-C. GRCh37 (hg19) VCF-style: chr15-48826369-CAG-C.
Other names: short protein forms C257fs.
Identifiers: ClinVar variation 993577 (VCV000993577.8), dbSNP rs2043995619, ClinGen allele CA2175536911.

ClinVar aggregate classification (germline): Pathogenic (1 of 4 stars; one submission).

Submission:

ARUP Laboratories, Molecular Genetics and Genomics, ARUP Laboratories
Classification: Pathogenic. Last evaluated: 2020-07-14. Review status: criteria provided, single submitter. Criteria: ARUP Molecular Germline Variant Investigation Process. Collection method: clinical testing. Allele origin: germline.
Comment: The FBN1 c.768_769delCT; p.Cys257fs variant is reported in the literature in a family with aortic root dilation (Baudhiun 2015). This variant is absent from general population databases (Exome Variant Server, Genome Aggregation Database), indicating it is not a common polymorphism. This variant causes a frameshift by deleting two nucleotides, so it is predicted to result in a truncated protein or mRNA subject to nonsense-mediated decay. Accordingly, the revised Ghent nosology for Marfan syndrome lists frameshift and nonsense variants as one of the criteria for classification of a variant as pathogenic (Loeys 2010). Based on available information, this variant is considered to be pathogenic. References: Baudhuin LM et al. Increased frequency of FBN1 truncating and splicing variants in Marfan syndrome patients with aortic events. Genet Med. 2015;17(3):177-187. Loeys et al. The revised Ghent nosology for the Marfan syndrome. J. Med. Genet. 2010 47(7): 476-85.